The following is an entry in ClinVar:

NM_130384.3(ATRIP):c.634G>A (p.Ala212Thr)

Genes: ATRIP (ATR interacting protein; plus strand), ATRIP-TREX1 (ATRIP-TREX1 readthrough; plus strand). Cytogenetic location: 3p21.31.
Variant type: single nucleotide variant.
Coding change: c.634G>A on transcript NM_130384.3 (MANE Select); coding-DNA position 634, G replaced by A.
Protein change: p.Ala212Thr; replaces alanine 212 with threonine.
Molecular consequence: missense variant. On other transcripts: non-coding transcript variant (1).
Genome position (GRCh38, 1-based): chr3:48,454,381, G>A. VCF-style: chr3-48454381-G-A. GRCh37 (hg19) VCF-style: chr3-48495781-G-A.
Other names: c.253G>A, p.Ala85Thr (NM_001271022.2); c.355G>A, p.Ala119Thr (NM_001271023.2); c.634G>A, p.Ala212Thr (NM_032166.4); short protein forms A119T, A212T, A85T.
Identifiers: ClinVar variation 4867191 (VCV004867191.1).
Genomic context (GRCh38, chr3:48,454,381, plus strand): 5'-CTCCAGTTTAAAGATGCAGAGATGAATGAATTAAGGACAAAGCTCCAGACCAGTGAACGA[G>A]CAAATAAACTGGCTGCTCCCTCTGTTTCCCATGTCAGGTAATGATGGTGCTGGAGGGATA-3'
Protein context (NP_569055.1, residues 202-222): LRTKLQTSER[Ala212Thr]NKLAAPSVSH

ClinVar aggregate classification (germline): Uncertain significance (1 of 4 stars; one submission).

gnomAD v4.1: 3 of 1,613,522 alleles (0.00019%); highest among the groups gnomAD compares: Admixed American, 0.0017%; no homozygotes.

Submission:

Ambry Genetics
Classification: Uncertain significance. Last evaluated: 2026-03-23. Review status: criteria provided, single submitter. Criteria: Ambry Variant Classification Scheme 2023. Collection method: clinical testing. Allele origin: germline.
Comment: The p.A212T variant (also known as c.634G>A), located in coding exon 4 of the ATRIP gene, results from a G to A substitution at nucleotide position 634. The alanine at codon 212 is replaced by threonine, an amino acid with similar properties. This amino acid position is conserved. In addition, this alteration is predicted to be tolerated by in silico analysis. Based on the available evidence, the clinical significance of this variant remains unclear.